The following is an entry in ClinVar:

NM_001844.5(COL2A1):c.4205A>T (p.Glu1402Val)

Gene: COL2A1 (collagen type II alpha 1 chain; minus strand). Cytogenetic location: 12q13.11.
Variant type: single nucleotide variant.
Coding change: c.4205A>T on transcript NM_001844.5 (MANE Select); coding-DNA position 4205, A replaced by T.
Protein change: p.Glu1402Val; replaces glutamic acid 1402 with valine.
Molecular consequence: missense variant.
Genome position (GRCh38, 1-based): chr12:47,974,201, T>A on the plus strand (A>T on the coding strand, the complement: COL2A1 is on the minus strand). VCF-style: chr12-47974201-T-A. GRCh37 (hg19) VCF-style: chr12-48367984-T-A.
Other names: c.3998A>T, p.Glu1333Val (NM_033150.3); short protein forms E1333V, E1402V.
Identifiers: ClinVar variation 955389 (VCV000955389.9), dbSNP rs1938575798, ClinGen allele CA384533630.

ClinVar aggregate classification (germline): Uncertain significance (1 of 4 stars; one submission).

Allele frequency attached by ClinVar (database versions not stated): TOPMed below 0.00001.

Submission:

Labcorp Genetics (formerly Invitae), Labcorp
Classification: Uncertain significance. Last evaluated: 2024-10-19. Review status: criteria provided, single submitter. Criteria: Invitae Variant Classification Sherloc (09022015). Collection method: clinical testing. Allele origin: germline.
Comment: This sequence change replaces glutamic acid, which is acidic and polar, with valine, which is neutral and non-polar, at codon 1402 of the COL2A1 protein (p.Glu1402Val). This variant is not present in population databases (gnomAD no frequency). This variant has not been reported in the literature in individuals affected with COL2A1-related conditions. ClinVar contains an entry for this variant (Variation ID: 955389). Invitae Evidence Modeling of protein sequence and biophysical properties (such as structural, functional, and spatial information, amino acid conservation, physicochemical variation, residue mobility, and thermodynamic stability) indicates that this missense variant is not expected to disrupt COL2A1 protein function with a negative predictive value of 95%. In summary, the available evidence is currently insufficient to determine the role of this variant in disease. Therefore, it has been classified as a Variant of Uncertain Significance.